The following is an entry in ClinVar:

ClinVar aggregate classification (germline): Uncertain significance (1 of 4 stars; one submission).

Conditions:
Cardiovascular phenotype. Identifiers: MedGen CN230736.

Submission:

Ambry Genetics
Classification: Uncertain significance for Cardiovascular phenotype. Last evaluated: 2024-12-07. Review status: criteria provided, single submitter. Criteria: Ambry Variant Classification Scheme 2023. Collection method: clinical testing. Allele origin: germline.
Comment: The p.K2418E variant (also known as c.7252A>G), located in coding exon 26 of the APOB gene, results from an A to G substitution at nucleotide position 7252. The lysine at codon 2418 is replaced by glutamic acid, an amino acid with similar properties. This amino acid position is conserved. In addition, this alteration is predicted to be tolerated by in silico analysis. Based on the available evidence, the clinical significance of this variant remains unclear.

NM_000384.3(APOB):c.7252A>G (p.Lys2418Glu)

Gene: APOB (apolipoprotein B; minus strand). Cytogenetic location: 2p24.1.
Variant type: single nucleotide variant.
Coding change: c.7252A>G on transcript NM_000384.3 (MANE Select); coding-DNA position 7252, A replaced by G.
Protein change: p.Lys2418Glu; replaces lysine 2418 with glutamic acid.
Molecular consequence: missense variant.
Genome position (GRCh38, 1-based): chr2:21,009,616, T>C on the plus strand (A>G on the coding strand, the complement: APOB is on the minus strand). VCF-style: chr2-21009616-T-C. GRCh37 (hg19) VCF-style: chr2-21232488-T-C.
Other names: short protein forms K2418E.
Identifiers: ClinVar variation 3416467 (VCV003416467.1).